The following is an entry in ClinVar:

ClinVar aggregate classification (germline): Uncertain significance. Review status: criteria provided, multiple submitters, no conflicts (2 of 4 stars). 3 submissions from 3 submitters: Uncertain significance (3). Last evaluated 2025-03-20.

Conditions:
DICER1-related tumor predisposition. Also called: DICER1-related pleuropulmonary blastoma cancer predisposition syndrome; DICER1 syndrome. Identifiers: Orphanet 284343, MedGen C3839822, MONDO:0100216.
Global developmental delay - lung cysts - overgrowth - Wilms tumor syndrome. Also called: GLOBAL DEVELOPMENTAL DELAY, LUNG CYSTS, OVERGROWTH, AND WILMS TUMOR; GLOW Syndrome. Identifiers: Orphanet 404476, MedGen C4748924, MONDO:0018445, OMIM 618272.
Hereditary cancer-predisposing syndrome. Also called: Neoplastic Syndromes, Hereditary; Tumor predisposition; Hereditary Cancer Syndrome; Hereditary neoplastic syndrome. Identifiers: Orphanet 140162, MedGen C0027672, MeSH D009386, MONDO:0015356.

Allele frequency attached by ClinVar (database versions not stated): gnomAD exomes below 0.00001 and 0.00001; TOPMed below 0.00001; ExAC 0.00001; gnomAD 0.00001; ESP Exome Variant Server 0.00008.
gnomAD v4.1: 4 of 1,612,984 alleles (0.00025%); highest among the groups gnomAD compares: African/African-American, 0.0013%; no homozygotes.

Submissions (3):

Labcorp Genetics (formerly Invitae), Labcorp
Classification: Uncertain significance for DICER1-related tumor predisposition. Last evaluated: 2025-03-20. Review status: criteria provided, single submitter. Criteria: Invitae Variant Classification Sherloc (09022015). Collection method: clinical testing. Allele origin: germline.
Comment: This sequence change replaces serine, which is neutral and polar, with leucine, which is neutral and non-polar, at codon 125 of the DICER1 protein (p.Ser125Leu). This variant is present in population databases (rs377669634, gnomAD 0.007%). This variant has not been reported in the literature in individuals affected with DICER1-related conditions. ClinVar contains an entry for this variant (Variation ID: 543557). Invitae Evidence Modeling of protein sequence and biophysical properties (such as structural, functional, and spatial information, amino acid conservation, physicochemical variation, residue mobility, and thermodynamic stability) indicates that this missense variant is not expected to disrupt DICER1 protein function with a negative predictive value of 95%. In summary, the available evidence is currently insufficient to determine the role of this variant in disease. Therefore, it has been classified as a Variant of Uncertain Significance.

Ambry Genetics
Classification: Uncertain significance for Hereditary cancer-predisposing syndrome. Last evaluated: 2024-05-15. Review status: criteria provided, single submitter. Criteria: Ambry Variant Classification Scheme 2023. Collection method: clinical testing. Allele origin: germline.
Comment: The p.S125L variant (also known as c.374C>T), located in coding exon 3 of the DICER1 gene, results from a C to T substitution at nucleotide position 374. The serine at codon 125 is replaced by leucine, an amino acid with dissimilar properties. This amino acid position is well conserved in available vertebrate species. In addition, this alteration is predicted to be tolerated by in silico analysis. Based on the available evidence, the clinical significance of this variant remains unclear.

Baylor Genetics
Classification: Uncertain significance for Global developmental delay - lung cysts - overgrowth - Wilms tumor syndrome. Last evaluated: 2023-09-20. Review status: criteria provided, single submitter. Criteria: ACMG Guidelines, 2015. Collection method: clinical testing. Allele origin: unknown.

NM_177438.3(DICER1):c.374C>T (p.Ser125Leu)

Gene: DICER1 (dicer 1, ribonuclease III; minus strand). Cytogenetic location: 14q32.13.
Variant type: single nucleotide variant.
Coding change: c.374C>T on transcript NM_177438.3 (MANE Select); coding-DNA position 374, C replaced by T.
Protein change: p.Ser125Leu; replaces serine 125 with leucine.
Molecular consequence: missense variant.
Genome position (GRCh38, 1-based): chr14:95,131,573, G>A on the plus strand (C>T on the coding strand, the complement: DICER1 is on the minus strand). VCF-style: chr14-95131573-G-A. GRCh37 (hg19) VCF-style: chr14-95597910-G-A.
Other names: c.374C>T, p.Ser125Leu (NM_001195573.1, NM_001271282.3, NM_001291628.2 and 1 more transcripts); short protein forms S125L.
Identifiers: ClinVar variation 543557 (VCV000543557.16), dbSNP rs377669634, ClinGen allele CA7331683.